The following is an entry in ClinVar:

NM_001271.4(CHD2):c.2505+4A>G

Gene: CHD2 (chromodomain helicase DNA binding protein 2; plus strand). Cytogenetic location: 15q26.1.
Variant type: single nucleotide variant.
Coding change: c.2505+4A>G on transcript NM_001271.4 (MANE Select); 4 bases into the intron after coding-DNA position 2505, A replaced by G.
Molecular consequence: intron variant.
Genome position (GRCh38, 1-based): chr15:92,972,421, A>G. VCF-style: chr15-92972421-A-G. GRCh37 (hg19) VCF-style: chr15-93515651-A-G.
Identifiers: ClinVar variation 422004 (VCV000422004.14), dbSNP rs767309501, ClinGen allele CA16620046.
Genomic context (GRCh38, chr15:92,972,421, plus strand): 5'-GTGAGAATGTTGGATATCCTGGCTGAATACCTAACTATTAAACACTATCCTTTCCAGGTA[A>G]GGTGATTTCAGTAATTGCTGTGGGGGGAATCAATCTCTCTCTCCGCCTCCCCTCCCCAAC-3'

ClinVar aggregate classification (germline): Conflicting classifications of pathogenicity. Review status: criteria provided, conflicting classifications (1 of 4 stars). 2 submissions from 2 submitters: Uncertain significance (1); Likely benign (1). Last evaluated 2023-05-31.

Conditions:
Developmental and epileptic encephalopathy 94 (DEE94). Also called: Epileptic encephalopathy, childhood-onset; CHD2-Related Neurodevelopmental Disorders. Identifiers: Orphanet 1942, Orphanet 2382, MedGen C3809278, MONDO:0014150, OMIM 615369.

Allele frequency attached by ClinVar (database versions not stated): TOPMed below 0.00001.
gnomAD v4.1: 7 of 1,583,092 alleles (0.00044%); highest among the groups gnomAD compares: Non-Finnish European, 0.00051%; no homozygotes.

Submissions (2):

GeneDx
Classification: Uncertain significance. Last evaluated: 2023-05-31. Review status: criteria provided, single submitter. Criteria: GeneDx Variant Classification Process June 2021. Collection method: clinical testing. Allele origin: germline. Affected: yes.
Comment: Has not been previously published as pathogenic or benign to our knowledge; In silico analysis is inconclusive as to whether the variant alters gene splicing. In the absence of RNA/functional studies, the actual effect of this sequence change is unknown.

Labcorp Genetics (formerly Invitae), Labcorp
Classification: Likely benign for Developmental and epileptic encephalopathy 94. Last evaluated: 2021-04-10. Review status: criteria provided, single submitter. Criteria: Invitae Variant Classification Sherloc (09022015). Collection method: clinical testing. Allele origin: germline.